The following is an entry in ClinVar:

NM_006031.6(PCNT):c.911A>C (p.Glu304Ala)

Gene: PCNT (pericentrin; plus strand). Cytogenetic location: 21q22.3.
Variant type: single nucleotide variant.
Coding change: c.911A>C on transcript NM_006031.6 (MANE Select); coding-DNA position 911, A replaced by C.
Protein change: p.Glu304Ala; replaces glutamic acid 304 with alanine.
Molecular consequence: missense variant.
Genome position (GRCh38, 1-based): chr21:46,346,933, A>C. VCF-style: chr21-46346933-A-C. GRCh37 (hg19) VCF-style: chr21-47766847-A-C.
Other names: c.557A>C, p.Glu186Ala (NM_001315529.2); short protein forms E186A, E304A.
Identifiers: ClinVar variation 3349084 (VCV003349084.2).

ClinVar aggregate classification (germline): Uncertain significance (1 of 4 stars; one submission).

Conditions:
PCNT-related disorder. Also called: PCNT-related condition.

gnomAD v4.1: 10 of 1,599,040 alleles (0.00063%); highest among the groups gnomAD compares: African/African-American, 0.0013%; no homozygotes.

Submission:

PreventionGenetics, part of Exact Sciences
Classification: Uncertain significance for PCNT-related condition. Last evaluated: 2026-07-22. Review status: criteria provided, single submitter. Criteria: ACMG Guidelines, 2015. Collection method: clinical testing. Allele origin: germline.
Comment: The PCNT c.911A>C variant is predicted to result in the amino acid substitution p.Glu304Ala. To our knowledge, this variant has not been reported in the literature. This variant is reported in 0.0020% of alleles in individuals of European (non-Finnish) descent in gnomAD. At this time, the clinical significance of this variant is uncertain due to the absence of conclusive functional and genetic evidence.